The following is an entry in ClinVar:

NM_144997.7(FLCN):c.-134C>T

Gene: FLCN (folliculin; minus strand). Cytogenetic location: 17p11.2.
Variant type: single nucleotide variant.
Coding change: c.-134C>T on transcript NM_144997.7 (MANE Select); 134 bases upstream of the start codon, C replaced by T.
Molecular consequence: 5 prime UTR variant.
Genome position (GRCh38, 1-based): chr17:17,232,808, G>A on the plus strand (C>T on the coding strand, the complement: FLCN is on the minus strand). VCF-style: chr17-17232808-G-A. GRCh37 (hg19) VCF-style: chr17-17136122-G-A.
Other names: c.-134C>T (LRG_325t1, NM_001353229.2, NM_144606.7); c.-417C>T (NM_001353230.2); c.-333C>T (NM_001353231.2).
Identifiers: ClinVar variation 322078 (VCV000322078.5), dbSNP rs116581458, ClinGen allele CA10648712.

ClinVar aggregate classification (germline): Benign. Review status: criteria provided, multiple submitters, no conflicts (2 of 4 stars). 3 submissions from 2 submitters: Benign (3). Last evaluated 2018-01-12.

Conditions:
Familial spontaneous pneumothorax (PSP). Identifiers: Orphanet 2903, MedGen C1868193, MONDO:0008259, OMIM 173600.
Birt-Hogg-Dube syndrome. Also called: Birt Hogg Dubé syndrome. Identifiers: Orphanet 122, MedGen C0346010, MONDO:0800444.

Allele frequency attached by ClinVar (database versions not stated): TOPMed 0.01649; 1000 Genomes Project 0.01837; 1000 Genomes Project 30x 0.01843.

Submissions (3):

Illumina Laboratory Services, Illumina
Classification: Benign for Familial spontaneous pneumothorax. Last evaluated: 2018-01-12. Review status: criteria provided, single submitter. Criteria: ICSL Variant Classification Criteria 13 December 2019. Collection method: clinical testing. Allele origin: germline.
Comment: This variant was observed in the ICSL laboratory as part of a predisposition screen in an ostensibly healthy population. It had not been previously curated by ICSL or reported in the Human Gene Mutation Database (HGMD: prior to June 1st, 2018), and was therefore a candidate for classification through an automated scoring system. Utilizing variant allele frequency, disease prevalence and penetrance estimates, and inheritance mode, an automated score was calculated to assess if this variant is too frequent to cause the disease. Based on the score and internal cut-off values, a variant classified as benign is not then subjected to further curation. The score for this variant resulted in a classification of benign for this disease.

Illumina Laboratory Services, Illumina
Classification: Benign for Birt-Hogg-Dube syndrome 1. Last evaluated: 2018-01-12. Review status: criteria provided, single submitter. Criteria: ICSL Variant Classification Criteria 13 December 2019. Collection method: clinical testing. Allele origin: germline.
Comment: the same text as in the submission from Illumina Laboratory Services, Illumina above.

GeneDx
Classification: Benign. Last evaluated: 2017-03-21. Review status: criteria provided, single submitter. Criteria: GeneDx Variant Classification (06012015). Collection method: clinical testing. Allele origin: germline. Affected: yes.
Comment: This variant is considered likely benign or benign based on one or more of the following criteria: it is a conservative change, it occurs at a poorly conserved position in the protein, it is predicted to be benign by multiple in silico algorithms, and/or has population frequency not consistent with disease.